The following is an entry in ClinVar:

NM_001128922.2(LRRC32):c.980T>C (p.Ile327Thr)

Genes: LRRC32 (leucine rich repeat containing 32; minus strand), LRRC32-AS1 (LRRC32 antisense RNA 1; plus strand). Cytogenetic location: 11q13.5.
Variant type: single nucleotide variant.
Coding change: c.980T>C on transcript NM_001128922.2 (MANE Select); coding-DNA position 980, T replaced by C.
Protein change: p.Ile327Thr; replaces isoleucine 327 with threonine.
Molecular consequence: missense variant. On other transcripts: non-coding transcript variant (1), intron variant (1).
Genome position (GRCh38, 1-based): chr11:76,660,613, A>G on the plus strand (T>C on the coding strand, the complement: LRRC32 is on the minus strand). VCF-style: chr11-76660613-A-G. GRCh37 (hg19) VCF-style: chr11-76371657-A-G.
Other names: c.914T>C, p.Ile305Thr (NM_001370189.1); c.650T>C, p.Ile217Thr (NM_001370190.1); c.980T>C, p.Ile327Thr (NM_005512.3, NM_001370187.1, NM_001370188.1); c.85-2579T>C (NM_001370191.1); short protein forms I217T, I305T, I327T.
Identifiers: ClinVar variation 1330304 (VCV001330304.3), dbSNP rs2120049760, ClinGen allele CA381920400.

ClinVar aggregate classification (germline): Likely pathogenic (0 of 4 stars; one submission).

Conditions:
Cleft palate, proliferative retinopathy, and developmental delay. Identifiers: MedGen C5436739, MONDO:0033641, OMIM 619074.

Submission:

Clinical Genetics Laboratory, Emek Medical Center
Classification: Likely pathogenic for Cleft palate, proliferative retinopathy, and developmental delay. Last evaluated: 2021-12-26. Review status: no assertion criteria provided. Collection method: clinical testing. Allele origin: biparental. Inheritance: Autosomal recessive inheritance. Affected: yes. Observed: 1 homozygote.
Comment: The Arg544Ter in LRRC32was previously reported to result in cleft palate progressive retinopathy and developmental delay in there Israeli patients.

Literature cited by the submitters: PubMed 30976112.